The following is an entry in ClinVar:

ClinVar aggregate classification (germline): Uncertain significance (1 of 4 stars; one submission).

Submission:

Labcorp Genetics (formerly Invitae), Labcorp
Classification: Uncertain significance. Last evaluated: 2025-06-12. Review status: criteria provided, single submitter. Criteria: Invitae Variant Classification Sherloc (09022015). Collection method: clinical testing. Allele origin: germline.
Comment: This sequence change creates a premature translational stop signal (p.Thr335Asnfs*28) in the GYG2 gene. It is expected to result in an absent or disrupted protein product. However, the current clinical and genetic evidence is not sufficient to establish whether loss-of-function variants in GYG2 cause disease. This variant is present in population databases (rs775655439, gnomAD 0.004%). This variant has not been reported in the literature in individuals affected with GYG2-related conditions. ClinVar contains an entry for this variant (Variation ID: 3626448). In summary, the available evidence is currently insufficient to determine the role of this variant in disease. Therefore, it has been classified as a Variant of Uncertain Significance.

NM_001079855.2(GYG2):c.911del (p.Thr304fs)

Gene: GYG2 (glycogenin 2; plus strand). Cytogenetic location: Xp22.33.
Variant type: Deletion.
Coding change: c.911del on transcript NM_001079855.2 (MANE Select); coding-DNA position 911, one base deleted (C; older notation c.911delC).
Protein change: p.Thr304fs; shifts the reading frame from threonine 304.
Molecular consequence: frameshift variant.
Genome position (GRCh38, 1-based): chrX:2,861,595, C deleted. VCF-style (leftmost placement, unchanged base first): chrX-2861594-AC-A. GRCh37 (hg19) VCF-style: chrX-2779635-AC-A.
Other names: c.911del, p.Thr304fs (NM_001184702.2); c.1004del, p.Thr335fs (NM_001184703.2, NM_003918.3); c.446del, p.Thr149fs (NM_001184704.2); short protein forms T149fs, T304fs, T335fs.
Identifiers: ClinVar variation 3626448 (VCV003626448.2).